The following is an entry in ClinVar:

NM_021098.3(CACNA1H):c.6669_6670del (p.Cys2223_Glu2224delinsTer)

Gene: CACNA1H (calcium voltage-gated channel subunit alpha1 H; plus strand). Cytogenetic location: 16p13.3.
Variant type: Microsatellite.
Coding change: c.6669_6670del on transcript NM_021098.3 (MANE Select); coding-DNA positions 6669 to 6670, 2 bases deleted (TG; older notation c.6669_6670delTG).
Protein change: p.Cys2223_Glu2224delinsTer.
Molecular consequence: nonsense.
Genome position (GRCh38, 1-based): chr16:1,220,601-1,220,602, TG deleted; deleting any 2 consecutive bases within chr16:1,220,599-1,220,602 gives the same sequence; the c. name uses the placement nearest the transcript's 3' end. VCF-style (leftmost placement, unchanged base first): chr16-1220598-CTG-C. GRCh37 (hg19) VCF-style: chr16-1270598-CTG-C.
Other names: c.6651_6652del, p.Cys2217_Glu2218delinsTer (NM_001005407.2).
Identifiers: ClinVar variation 3764026 (VCV003764026.2).

ClinVar aggregate classification (germline): Uncertain significance (1 of 4 stars; one submission).

Conditions:
Hyperaldosteronism, familial, type IV (HALD4). Also called: FH IV; ALDOSTERONISM, PRIMARY, AND HYPERTENSION. Identifiers: Orphanet 642671, MedGen C4310756, MONDO:0014875, OMIM 617027.
Idiopathic generalized epilepsy. Also called: EIG; Generalised epilepsy. Identifiers: MedGen C0270850, MONDO:0005579, OMIM 600669.

Submission:

Labcorp Genetics (formerly Invitae), Labcorp
Classification: Uncertain significance for Idiopathic generalized epilepsy; Hyperaldosteronism, familial, type IV. Last evaluated: 2024-09-17. Review status: criteria provided, single submitter. Criteria: Invitae Variant Classification Sherloc (09022015). Collection method: clinical testing. Allele origin: germline.
Comment: This sequence change creates a premature translational stop signal (p.Cys2223*) in the CACNA1H gene. While this is not anticipated to result in nonsense mediated decay, it is expected to disrupt the last 131 amino acid(s) of the CACNA1H protein. This variant is not present in population databases (gnomAD no frequency). This variant has not been reported in the literature in individuals affected with CACNA1H-related conditions. Experimental studies and prediction algorithms are not available or were not evaluated, and the functional significance of this variant is currently unknown. In summary, the available evidence is currently insufficient to determine the role of this variant in disease. Therefore, it has been classified as a Variant of Uncertain Significance.